The following is an entry in ClinVar:

ClinVar aggregate classification (germline): Likely benign. Review status: criteria provided, multiple submitters, no conflicts (2 of 4 stars). 4 submissions from 4 submitters: Likely benign (3). 1 of the submissions does not count toward it. Last evaluated 2024-12-31.

Conditions:
SRGAP3-related disorder. Also called: SRGAP3-related condition.

Allele frequency attached by ClinVar (database versions not stated): TOPMed 0.00002.
gnomAD v4.1: 51 of 1,614,216 alleles (0.0032%); highest among the groups gnomAD compares: East Asian, 0.0067%; no homozygotes.

Submissions (4):

Ambry Genetics
Classification: Likely benign. Last evaluated: 2024-12-31. Review status: criteria provided, single submitter. Criteria: Ambry Variant Classification Scheme 2023. Collection method: clinical testing. Allele origin: germline.

Blueprint Genetics
Classification: Likely benign. Last evaluated: 2024-11-01. Review status: criteria provided, single submitter. Criteria: ACMG Guidelines, 2015. Collection method: clinical testing. Allele origin: germline.

Labcorp Genetics (formerly Invitae), Labcorp
Classification: Likely benign. Last evaluated: 2019-12-31. Review status: criteria provided, single submitter. Criteria: Invitae Variant Classification Sherloc (09022015). Collection method: clinical testing. Allele origin: germline.

PreventionGenetics, part of Exact Sciences
Classification: Likely benign for SRGAP3-related condition. Last evaluated: 2019-07-12. Review status: no assertion criteria provided. Collection method: clinical testing. Allele origin: germline. Not counted in ClinVar's aggregate classification.
Comment: This variant is classified as likely benign based on ACMG/AMP sequence variant interpretation guidelines (Richards et al. 2015 PMID: 25741868, with internal and published modifications).

NM_014850.4(SRGAP3):c.615C>T (p.His205=)

Gene: SRGAP3 (SLIT-ROBO Rho GTPase activating protein 3; minus strand). Cytogenetic location: 3p25.3.
Variant type: single nucleotide variant.
Coding change: c.615C>T on transcript NM_014850.4 (MANE Select); coding-DNA position 615, C replaced by T.
Protein change: p.His205=; no amino-acid change (histidine 205 retained).
Molecular consequence: synonymous variant.
Genome position (GRCh38, 1-based): chr3:9,064,453, G>A on the plus strand (C>T on the coding strand, the complement: SRGAP3 is on the minus strand). VCF-style: chr3-9064453-G-A. GRCh37 (hg19) VCF-style: chr3-9106137-G-A.
Other names: c.615C>T (NM_014850.2); c.615C>T, p.His205= (NM_001033117.3).
Identifiers: ClinVar variation 723978 (VCV000723978.8), dbSNP rs201116450, ClinGen allele CA2238118.